The following is an entry in ClinVar:

NM_000059.4(BRCA2):c.9555T>G (p.His3185Gln)

Gene: BRCA2 (BRCA2 DNA repair associated; plus strand). Cytogenetic location: 13q13.1.
Variant type: single nucleotide variant.
Coding change: c.9555T>G on transcript NM_000059.4 (MANE Select); coding-DNA position 9555, T replaced by G.
Protein change: p.His3185Gln; replaces histidine 3185 with glutamine.
Molecular consequence: missense variant.
Genome position (GRCh38, 1-based): chr13:32,396,951, T>G. VCF-style: chr13-32396951-T-G. GRCh37 (hg19) VCF-style: chr13-32971088-T-G.
Other names: short protein forms H3185Q.
Identifiers: ClinVar variation 641788 (VCV000641788.11), dbSNP rs1593200915, ClinGen allele CA387763223.

ClinVar aggregate classification (germline): Uncertain significance. Review status: criteria provided, multiple submitters, no conflicts (2 of 4 stars). 3 submissions from 3 submitters: Uncertain significance (3). Last evaluated 2026-06-18.

Conditions:
Hereditary breast ovarian cancer syndrome. Also called: Hereditary breast and ovarian cancer; Hereditary breast and/or ovarian cancer syndrome; Hereditary breast and ovarian cancer syndrome (HBOC); Hereditary breast and ovarian cancer syndrome; Breast and ovarian cancer; BRCA1- and BRCA2-Associated Hereditary Breast and Ovarian Cancer. Identifiers: Orphanet 145, MedGen C0677776, MeSH D061325, MONDO:0003582. Disease mechanism: loss of function.
Familial cancer of breast. Also called: Hereditary breast cancer; BREAST CANCER, FAMILIAL; hereditary breast carcinoma. Identifiers: Orphanet 227535, MedGen C0346153, MONDO:0016419, OMIM 114480. Disease mechanism: loss of function.

Submissions (3):

Institute of Human Genetics, University of Leipzig Medical Center
Classification: Uncertain significance for Familial cancer of breast. Last evaluated: 2026-06-18. Review status: criteria provided, single submitter. Criteria: ACMG Guidelines, 2015. Collection method: clinical testing. Allele origin: unknown. Inheritance: Autosomal dominant inheritance. Affected: yes.
Comment: Criteria applied: PM2_SUP,BP4

Women's Health and Genetics/Laboratory Corporation of America, LabCorp
Classification: Uncertain significance. Last evaluated: 2023-01-08. Review status: criteria provided, single submitter. Criteria: LabCorp Variant Classification Summary - May 2015. Collection method: clinical testing. Allele origin: germline.

Labcorp Genetics (formerly Invitae), Labcorp
Classification: Uncertain significance for Hereditary breast ovarian cancer syndrome. Last evaluated: 2018-09-29. Review status: criteria provided, single submitter. Criteria: Invitae Variant Classification Sherloc (09022015). Collection method: clinical testing. Allele origin: germline.
Comment: This sequence change replaces histidine with glutamine at codon 3185 of the BRCA2 protein (p.His3185Gln). The histidine residue is weakly conserved and there is a small physicochemical difference between histidine and glutamine. In summary, the available evidence is currently insufficient to determine the role of this variant in disease. Therefore, it has been classified as a Variant of Uncertain Significance. Algorithms developed to predict the effect of sequence changes on RNA splicing suggest that this variant may create or strengthen a splice site, but this prediction has not been confirmed by published transcriptional studies. Algorithms developed to predict the effect of missense changes on protein structure and function output the following: SIFT: "Tolerated"; PolyPhen-2: "Benign"; Align-GVGD: "Class C0". The glutamine amino acid residue is found in multiple mammalian species, suggesting that this missense change does not adversely affect protein function. These predictions have not been confirmed by published functional studies and their clinical significance is uncertain. This variant has not been reported in the literature in individuals with BRCA2-related disease. This variant is not present in population databases (ExAC no frequency).